The following is an entry in ClinVar:

ClinVar aggregate classification (germline): Uncertain significance. Review status: criteria provided, multiple submitters, no conflicts (2 of 4 stars). 3 submissions from 3 submitters: Uncertain significance (3). Last evaluated 2025-01-17.

Conditions:
Developmental and epileptic encephalopathy, 42 (DEE42A). Also called: Epileptic encephalopathy, early infantile, 42; DEVELOPMENTAL AND EPILEPTIC ENCEPHALOPATHY 42A; EPILEPTIC ENCEPHALOPATHY, EARLY INFANTILE, 42A. Identifiers: MedGen C4310716, MONDO:0014917, OMIM 617106.
Episodic ataxia type 2 (EA2). Also called: ATAXIA, EPISODIC, WITH NYSTAGMUS; ATAXIA, FAMILIAL PAROXYSMAL; CEREBELLAR ATAXIA, PAROXYSMAL, ACETAZOLAMIDE-RESPONSIVE; CEREBELLOPATHY, HEREDITARY PAROXYSMAL; EPISODIC ATAXIA, NYSTAGMUS-ASSOCIATED; ACETAZOLAMIDE-RESPONSIVE HEREDITARY PAROXYSMAL CEREBELLAR ATAXIA. Identifiers: Orphanet 97, MedGen C1720416, MONDO:0007163, OMIM 108500.

Allele frequency attached by ClinVar (database versions not stated): gnomAD exomes below 0.00001.
gnomAD v4.1: 3 of 1,613,862 alleles (0.00019%); highest among the groups gnomAD compares: South Asian, 0.0011%; no homozygotes.

Submissions (3):

GeneDx
Classification: Uncertain significance. Last evaluated: 2025-01-17. Review status: criteria provided, single submitter. Criteria: GeneDx Variant Classification Process June 2021. Collection method: clinical testing. Allele origin: germline. Affected: yes.
Comment: Not observed at significant frequency in large population cohorts (gnomAD); In silico analysis supports that this missense variant has a deleterious effect on protein structure/function; Has not been previously published as pathogenic or benign to our knowledge

Labcorp Genetics (formerly Invitae), Labcorp
Classification: Uncertain significance for Developmental and epileptic encephalopathy, 42; Episodic ataxia type 2. Last evaluated: 2024-05-18. Review status: criteria provided, single submitter. Criteria: Invitae Variant Classification Sherloc (09022015). Collection method: clinical testing. Allele origin: germline.
Comment: This sequence change replaces methionine, which is neutral and non-polar, with threonine, which is neutral and polar, at codon 2071 of the CACNA1A protein (p.Met2071Thr). This variant is not present in population databases (gnomAD no frequency). This variant has not been reported in the literature in individuals affected with CACNA1A-related conditions. ClinVar contains an entry for this variant (Variation ID: 1339173). Advanced modeling of protein sequence and biophysical properties (such as structural, functional, and spatial information, amino acid conservation, physicochemical variation, residue mobility, and thermodynamic stability) performed at Invitae indicates that this missense variant is not expected to disrupt CACNA1A protein function with a negative predictive value of 95%. In summary, the available evidence is currently insufficient to determine the role of this variant in disease. Therefore, it has been classified as a Variant of Uncertain Significance.

Neuberg Centre For Genomic Medicine, NCGM
Classification: Uncertain significance for Developmental and epileptic encephalopathy, 42. Review status: criteria provided, single submitter. Criteria: ACMG Guidelines, 2015. Collection method: clinical testing. Allele origin: germline. Affected: yes.
Comment: The missense variant p.M2071T in CACNA1A (NM_001127221.2) has not been reported previously as a pathogenic variant nor as a benign variant, to our knowledge.The p.M2071T variant is novel (not in any individuals) in gnomAD Exomes and is novel (not in any individuals) in 1000 Genomes. In silico tools are contradictory in their predictions: SIFT- damaging, Polyphen-2- Tolerated and the residue is conserved across species. For these reasons, this variant has been classified as Uncertain Significance.

NM_001127222.2(CACNA1A):c.6209T>C (p.Met2070Thr)

Gene: CACNA1A (calcium voltage-gated channel subunit alpha1 A; minus strand). Cytogenetic location: 19p13.13.
Variant type: single nucleotide variant.
Coding change: c.6209T>C on transcript NM_001127222.2 (MANE Select); coding-DNA position 6209, T replaced by C.
Protein change: p.Met2070Thr; replaces methionine 2070 with threonine.
Molecular consequence: missense variant.
Genome position (GRCh38, 1-based): chr19:13,212,197, A>G on the plus strand (T>C on the coding strand, the complement: CACNA1A is on the minus strand). VCF-style: chr19-13212197-A-G. GRCh37 (hg19) VCF-style: chr19-13323011-A-G.
Other names: c.6212T>C (NM_001127221.1); c.6227T>C, p.Met2076Thr (NM_000068.4, NM_023035.3); c.6212T>C, p.Met2071Thr (NM_001127221.2); c.6218T>C, p.Met2073Thr (NM_001174080.2); short protein forms M2070T, M2071T, M2073T, M2076T.
Identifiers: ClinVar variation 1339173 (VCV001339173.5), dbSNP rs2144523250, ClinGen allele CA404332463.